The following is an entry in ClinVar:

NM_018063.5(HELLS):c.1971C>T (p.Asn657=)

Gene: HELLS (helicase, lymphoid specific; plus strand). Cytogenetic location: 10q23.33.
Variant type: single nucleotide variant.
Coding change: c.1971C>T on transcript NM_018063.5 (MANE Select); coding-DNA position 1971, C replaced by T.
Protein change: p.Asn657=; no amino-acid change (asparagine 657 retained).
Molecular consequence: synonymous variant.
Genome position (GRCh38, 1-based): chr10:94,592,514, C>T. VCF-style: chr10-94592514-C-T. GRCh37 (hg19) VCF-style: chr10-96352271-C-T.
Other names: c.2109C>T, p.Asn703= (NM_001289067.2); c.1923C>T, p.Asn641= (NM_001289068.2); c.1875C>T, p.Asn625= (NM_001289069.2); c.1677C>T, p.Asn559= (NM_001289070.2); c.1599C>T, p.Asn533= (NM_001289071.2); c.1581C>T, p.Asn527= (NM_001289072.2); c.1557C>T, p.Asn519= (NM_001289073.2); c.888C>T, p.Asn296= (NM_001289074.2); and 1 more.
Identifiers: ClinVar variation 708367 (VCV000708367.26), dbSNP rs145577611, ClinGen allele CA5615620.
Genomic context (GRCh38, chr10:94,592,514, plus strand): 5'-CAGAGATTTCAACTTCAGCAGGCTTGATGGGTCCATGTCTTACTCAGAGAGAGAAAAAAA[C>T]GTAAGACTACTTATGTCATACATACCAAACTATTCTTTTATAATTCCTATCTTGATTTCT-3'
Protein context (NP_060533.2, residues 647-667): GSMSYSEREK[Asn657=]MHSFNTDPEV

ClinVar aggregate classification (germline): Benign/Likely benign. Review status: criteria provided, multiple submitters, no conflicts (2 of 4 stars). 4 submissions from 4 submitters: Benign (2); Likely benign (2). Last evaluated 2026-02-02.

Allele frequency attached by ClinVar (database versions not stated): TOPMed 0.00413; gnomAD exomes 0.00039 and 0.00107; ExAC 0.00107; ESP Exome Variant Server 0.00277; gnomAD 0.00353 and 0.00375; 1000 Genomes Project 0.00379; 1000 Genomes Project 30x 0.00406.
gnomAD v4.1: 1,050 of 1,447,064 alleles (0.073%); highest among the groups gnomAD compares: African/African-American, 1.3%; 6 homozygotes.

Submissions (4):

Labcorp Genetics (formerly Invitae), Labcorp
Classification: Benign. Last evaluated: 2026-02-02. Review status: criteria provided, single submitter. Criteria: Invitae Variant Classification Sherloc (09022015). Collection method: clinical testing. Allele origin: germline.

CeGaT Center for Human Genetics Tuebingen
Classification: Likely benign. Last evaluated: 2026-02-01. Review status: criteria provided, single submitter. Criteria: CeGaT Center For Human Genetics Tuebingen Variant Classification Criteria Version 2. Collection method: clinical testing. Allele origin: germline. Affected: yes. Observed: 2 variant alleles.
Comment: HELLS: BP4, BP7, BS1

Blueprint Genetics
Classification: Likely benign. Last evaluated: 2024-10-11. Review status: criteria provided, single submitter. Criteria: ACMG Guidelines, 2015. Collection method: clinical testing. Allele origin: germline.

Breakthrough Genomics
Classification: Benign. Review status: criteria provided, single submitter. Criteria: ACMG Guidelines, 2015. Collection method: not provided. Allele origin: germline. Inheritance: Autosomal recessive inheritance. Affected: yes.